The following is an entry in ClinVar:

NM_018026.4(PACS1):c.1355T>G (p.Leu452Trp)

Gene: PACS1 (phosphofurin acidic cluster sorting protein 1; plus strand). Cytogenetic location: 11q13.2.
Variant type: single nucleotide variant.
Coding change: c.1355T>G on transcript NM_018026.4 (MANE Select); coding-DNA position 1355, T replaced by G.
Protein change: p.Leu452Trp; replaces leucine 452 with tryptophan.
Molecular consequence: missense variant.
Genome position (GRCh38, 1-based): chr11:66,227,565, T>G. VCF-style: chr11-66227565-T-G. GRCh37 (hg19) VCF-style: chr11-65995036-T-G.
Other names: short protein forms L452W.
Identifiers: ClinVar variation 2144704 (VCV002144704.4), dbSNP rs2495573829, ClinGen allele CA381364385.

ClinVar aggregate classification (germline): Uncertain significance (1 of 4 stars; one submission).

Conditions:
Schuurs-Hoeijmakers syndrome. Also called: PACS1-Related Neurodevelopmental Disorder. Identifiers: Orphanet 329224, MedGen C3554343, MONDO:0014006, OMIM 615009.

Submission:

Labcorp Genetics (formerly Invitae), Labcorp
Classification: Uncertain significance for Schuurs-Hoeijmakers syndrome. Last evaluated: 2022-05-06. Review status: criteria provided, single submitter. Criteria: Invitae Variant Classification Sherloc (09022015). Collection method: clinical testing. Allele origin: germline.
Comment: This sequence change replaces leucine, which is neutral and non-polar, with tryptophan, which is neutral and slightly polar, at codon 452 of the PACS1 protein (p.Leu452Trp). This variant is not present in population databases (gnomAD no frequency). This variant has not been reported in the literature in individuals affected with PACS1-related conditions. Algorithms developed to predict the effect of missense changes on protein structure and function are either unavailable or do not agree on the potential impact of this missense change (SIFT: "Deleterious"; PolyPhen-2: "Possibly Damaging"; Align-GVGD: "Class C0"). In summary, the available evidence is currently insufficient to determine the role of this variant in disease. Therefore, it has been classified as a Variant of Uncertain Significance.